The following is an entry in ClinVar:

NM_001374385.1(ATP8B1):c.1367C>G (p.Thr456Arg)

Gene: ATP8B1 (ATPase phospholipid transporting 8B1; minus strand). Cytogenetic location: 18q21.31.
Variant type: single nucleotide variant.
Coding change: c.1367C>G on transcript NM_001374385.1 (MANE Select); coding-DNA position 1367, C replaced by G.
Protein change: p.Thr456Arg; replaces threonine 456 with arginine.
Molecular consequence: missense variant.
Genome position (GRCh38, 1-based): chr18:57,688,361, G>C on the plus strand (C>G on the coding strand, the complement: ATP8B1 is on the minus strand). VCF-style: chr18-57688361-G-C. GRCh37 (hg19) VCF-style: chr18-55355593-G-C.
Other names: c.1217C>G, p.Thr406Arg (NM_001374386.1); c.1367C>G, p.Thr456Arg (NM_005603.6); short protein forms T406R, T456R.
Identifiers: ClinVar variation 4846294 (VCV004846294.1).

ClinVar aggregate classification (germline): Uncertain significance (1 of 4 stars; one submission).

Conditions:
Familial intrahepatic cholestasis. Identifiers: Orphanet 284385, MedGen CN296401, MONDO:0017290.

Submission:

Genomenon, Inc
Classification: Uncertain significance for Familial intrahepatic cholestasis. Last evaluated: 2026-04-14. Review status: criteria provided, single submitter. Criteria: Genomenon Sequence Variant Interpretation Standards - Updated. Collection method: curation. Allele origin: germline. Affected: yes.
Comment: ATP8B1 p.Thr456Arg (c.1367C>G) is a missense variant that changes the amino acid at residue 456 from Threonine to Arginine. This variant has been observed in at least one proband with features of ATP8B1-deficiency (PMID:30366773). It is absent or not present at a significant frequency in gnomAD. In silico models predict that this variant is possibly or probably damaging. In conclusion, we classify ATP8B1 p.Thr456Arg (c.1367C>G) as a variant of uncertain significance.

Literature cited by the submitters: PubMed 30366773.